The following is an entry in ClinVar:

ClinVar aggregate classification (germline): Uncertain significance. Review status: criteria provided, multiple submitters, no conflicts (2 of 4 stars). 3 submissions from 3 submitters: Uncertain significance (2). 1 of the submissions does not count toward it. Last evaluated 2024-10-01.

Conditions:
Hereditary cancer-predisposing syndrome. Also called: Neoplastic Syndromes, Hereditary; Tumor predisposition; Hereditary Cancer Syndrome; Hereditary neoplastic syndrome. Identifiers: Orphanet 140162, MedGen C0027672, MeSH D009386, MONDO:0015356.
Bloom syndrome (BLM). Also called: Bloom-Torre-Machacek syndrome. Identifiers: Orphanet 125, MedGen C0005859, MONDO:0008876, OMIM 210900.

Allele frequency attached by ClinVar (database versions not stated): TOPMed below 0.00001; gnomAD exomes 0.00001; ExAC 0.00002.
gnomAD v4.1: 8 of 1,539,902 alleles (0.00052%); highest among the groups gnomAD compares: East Asian, 0.0023%; no homozygotes.

Submissions (3):

Labcorp Genetics (formerly Invitae), Labcorp
Classification: Uncertain significance for Bloom syndrome. Last evaluated: 2024-10-01. Review status: criteria provided, single submitter. Criteria: Invitae Variant Classification Sherloc (09022015). Collection method: clinical testing. Allele origin: germline.
Comment: This sequence change replaces tyrosine, which is neutral and polar, with cysteine, which is neutral and slightly polar, at codon 584 of the BLM protein (p.Tyr584Cys). This variant is present in population databases (rs765187809, gnomAD 0.007%). This variant has not been reported in the literature in individuals affected with BLM-related conditions. ClinVar contains an entry for this variant (Variation ID: 819973). Invitae Evidence Modeling of protein sequence and biophysical properties (such as structural, functional, and spatial information, amino acid conservation, physicochemical variation, residue mobility, and thermodynamic stability) indicates that this missense variant is not expected to disrupt BLM protein function with a negative predictive value of 80%. In summary, the available evidence is currently insufficient to determine the role of this variant in disease. Therefore, it has been classified as a Variant of Uncertain Significance.

Ambry Genetics
Classification: Uncertain significance for Hereditary cancer-predisposing syndrome. Last evaluated: 2023-07-15. Review status: criteria provided, single submitter. Criteria: Ambry Variant Classification Scheme 2023. Collection method: clinical testing. Allele origin: germline.
Comment: The p.Y584C variant (also known as c.1751A>G), located in coding exon 6 of the BLM gene, results from an A to G substitution at nucleotide position 1751. The tyrosine at codon 584 is replaced by cysteine, an amino acid with highly dissimilar properties. This amino acid position is not well conserved in available vertebrate species. In addition, this alteration is predicted to be tolerated by in silico analysis. Since supporting evidence is limited at this time, the clinical significance of this alteration remains unclear.

Natera, Inc.
Classification: Uncertain significance for Bloom syndrome. Last evaluated: 2021-01-06. Review status: no assertion criteria provided. Collection method: clinical testing. Allele origin: germline. Not counted in ClinVar's aggregate classification.

NM_000057.4(BLM):c.1751A>G (p.Tyr584Cys)

Gene: BLM (BLM RecQ like helicase; plus strand). Cytogenetic location: 15q26.1.
Variant type: single nucleotide variant.
Coding change: c.1751A>G on transcript NM_000057.4 (MANE Select); coding-DNA position 1751, A replaced by G.
Protein change: p.Tyr584Cys; replaces tyrosine 584 with cysteine.
Molecular consequence: missense variant.
Genome position (GRCh38, 1-based): chr15:90,761,124, A>G. VCF-style: chr15-90761124-A-G. GRCh37 (hg19) VCF-style: chr15-91304354-A-G.
Other names: c.1751A>G, p.Tyr584Cys (NM_001287246.2, NM_001287247.2); c.626A>G, p.Tyr209Cys (NM_001287248.2); short protein forms Y584C, Y209C.
Identifiers: ClinVar variation 819973 (VCV000819973.11), dbSNP rs765187809, ClinGen allele CA7738581.